The following is an entry in ClinVar:

ClinVar aggregate classification (germline): Uncertain significance. Review status: criteria provided, multiple submitters, no conflicts (2 of 4 stars). 2 submissions from 2 submitters: Uncertain significance (2). Last evaluated 2022-06-27.

Allele frequency attached by ClinVar (database versions not stated): 1000 Genomes Project 30x 0.00016; 1000 Genomes Project 0.00020; ExAC 0.00024; gnomAD 0.00025; TOPMed 0.00035; ESP Exome Variant Server 0.00062.
gnomAD v4.1: 569 of 1,614,230 alleles (0.035%); highest among the groups gnomAD compares: Non-Finnish European, 0.044%; no homozygotes.

Submissions (2):

Labcorp Genetics (formerly Invitae), Labcorp
Classification: Uncertain significance. Last evaluated: 2022-06-27. Review status: criteria provided, single submitter. Criteria: Invitae Variant Classification Sherloc (09022015). Collection method: clinical testing. Allele origin: germline.
Comment: This sequence change replaces proline, which is neutral and non-polar, with threonine, which is neutral and polar, at codon 31 of the WDR36 protein (p.Pro31Thr). This variant is present in population databases (rs148041801, gnomAD 0.05%). This missense change has been observed in individual(s) with glaucoma (PMID: 17563723, 18172102). In summary, the available evidence is currently insufficient to determine the role of this variant in disease. Therefore, it has been classified as a Variant of Uncertain Significance. Algorithms developed to predict the effect of missense changes on protein structure and function (SIFT, PolyPhen-2, Align-GVGD) all suggest that this variant is likely to be tolerated.

Breakthrough Genomics
Classification: Uncertain significance. Review status: criteria provided, single submitter. Criteria: ACMG Guidelines, 2015. Collection method: not provided. Allele origin: germline. Inheritance: Unknown mechanism. Affected: yes.

Literature cited by the submitters: PubMed 17563723 (cited by Labcorp Genetics (formerly Invitae), Labcorp); PubMed 18172102 (cited by Labcorp Genetics (formerly Invitae), Labcorp).

NM_139281.3(WDR36):c.-78C>A

Genes: WDR36 (WD repeat domain 36; plus strand), LOC129994346 (ATAC-STARR-seq lymphoblastoid active region 22888; plus strand). Cytogenetic location: 5q22.1.
Variant type: single nucleotide variant.
Coding change: c.-78C>A on transcript NM_139281.3 (MANE Select); 78 bases upstream of the start codon, C replaced by A.
Molecular consequence: 5 prime UTR variant.
Genome position (GRCh38, 1-based): chr5:111,092,379, C>A. VCF-style: chr5-111092379-C-A. GRCh37 (hg19) VCF-style: chr5-110428077-C-A.
Identifiers: ClinVar variation 1426930 (VCV001426930.7), dbSNP rs148041801, ClinGen allele CA3365089.